The following is an entry in ClinVar:

NM_001164508.2(NEB):c.24046A>T (p.Lys8016Ter)

Genes: NEB (nebulin; minus strand), RIF1 (replication timing regulatory factor 1; plus strand). Cytogenetic location: 2q23.3.
Variant type: single nucleotide variant.
Coding change: c.24046A>T on transcript NM_001164508.2 (MANE Select); coding-DNA position 24046, A replaced by T.
Protein change: p.Lys8016Ter; replaces lysine 8016 with a stop codon.
Molecular consequence: nonsense. On other transcripts: intron variant (1).
Genome position (GRCh38, 1-based): chr2:151,499,366, T>A on the plus strand (A>T on the coding strand, the complement: NEB is on the minus strand). VCF-style: chr2-151499366-T-A. GRCh37 (hg19) VCF-style: chr2-152355880-T-A.
Other names: c.24046A>T, p.Lys8016Ter (NM_001164507.2); c.24151A>T, p.Lys8051Ter (NM_001271208.2); c.18826-2998A>T (NM_004543.5); short protein forms K8016*, K8051*.
Identifiers: ClinVar variation 2719764 (VCV002719764.3), dbSNP rs1263815921, ClinGen allele CA348779581.
Genomic context (GRCh38, chr2:151,499,366, plus strand): 5'-AGTTTTCTTGATTGTGTTTGACTCTCTCCATCTCTGGAGTGATGGGGATTGGAATCCCTT[T>A]TCCAACGTTTTCTTTATACAACACCTGTATGACACAAGAAAGCATCCAGAAAAAACAAGA-3'

ClinVar aggregate classification (germline): Pathogenic (1 of 4 stars; one submission).

Conditions:
Nemaline myopathy 2 (NEM2). Also called: Nemaline myopathy 2, autosomal recessive. Identifiers: MedGen C1850569, MONDO:0009725, OMIM 256030.

Allele frequency attached by ClinVar (database versions not stated): gnomAD exomes below 0.00001.
gnomAD v4.1: 1 of 1,545,080 alleles (0.000065%); highest among the groups gnomAD compares: South Asian, 0.0012%; no homozygotes.

Submission:

Labcorp Genetics (formerly Invitae), Labcorp
Classification: Pathogenic for Nemaline myopathy 2. Last evaluated: 2023-06-20. Review status: criteria provided, single submitter. Criteria: Invitae Variant Classification Sherloc (09022015). Collection method: clinical testing. Allele origin: germline.
Comment: For these reasons, this variant has been classified as Pathogenic. Algorithms developed to predict the effect of sequence changes on RNA splicing suggest that this variant may disrupt the consensus splice site. This variant has not been reported in the literature in individuals affected with NEB-related conditions. This variant is present in population databases (no rsID available, gnomAD 0.004%). This sequence change creates a premature translational stop signal (p.Lys8051*) in the NEB gene. It is expected to result in an absent or disrupted protein product. Loss-of-function variants in NEB are known to be pathogenic (PMID: 25205138).

Literature cited by the submitters: PubMed 25205138.